The following is an entry in ClinVar:

NM_004589.4(SCO1):c.273+119C>T

Gene: SCO1 (synthesis of cytochrome C oxidase 1; minus strand). Cytogenetic location: 17p13.1.
Variant type: single nucleotide variant.
Coding change: c.273+119C>T on transcript NM_004589.4 (MANE Select); 119 bases into the intron after coding-DNA position 273, C replaced by T.
Molecular consequence: intron variant.
Genome position (GRCh38, 1-based): chr17:10,697,116, G>A on the plus strand (C>T on the coding strand, the complement: SCO1 is on the minus strand). VCF-style: chr17-10697116-G-A. GRCh37 (hg19) VCF-style: chr17-10600433-G-A.
Identifiers: ClinVar variation 671692 (VCV000671692.1), dbSNP rs2520170, ClinGen allele CA14460626.

ClinVar aggregate classification (germline): Benign (1 of 4 stars; one submission).

Allele frequency attached by ClinVar (database versions not stated): gnomAD exomes 0.00493; gnomAD 0.04565 and 0.04909; TOPMed 0.05396; 1000 Genomes Project 0.05571; 1000 Genomes Project 30x 0.05887.
gnomAD v4.1: 11,394 of 1,005,146 alleles (1.1%); highest among the groups gnomAD compares: African/African-American, 16%; 792 homozygotes.

Submission:

GeneDx
Classification: Benign. Last evaluated: 2018-06-19. Review status: criteria provided, single submitter. Criteria: GeneDx Variant Classification (06012015). Collection method: clinical testing. Allele origin: germline. Affected: yes.
Comment: This variant is considered likely benign or benign based on one or more of the following criteria: it is a conservative change, it occurs at a poorly conserved position in the protein, it is predicted to be benign by multiple in silico algorithms, and/or has population frequency not consistent with disease.